The following is an entry in ClinVar:

NM_133433.4(NIPBL):c.7793G>A (p.Arg2598Gln)

Gene: NIPBL (NIPBL cohesin loading factor; plus strand). Cytogenetic location: 5p13.2.
Variant type: single nucleotide variant.
Coding change: c.7793G>A on transcript NM_133433.4 (MANE Select); coding-DNA position 7793, G replaced by A.
Protein change: p.Arg2598Gln; replaces arginine 2598 with glutamine.
Molecular consequence: missense variant.
Genome position (GRCh38, 1-based): chr5:37,060,951, G>A. VCF-style: chr5-37060951-G-A. GRCh37 (hg19) VCF-style: chr5-37061053-G-A.
Other names: c.7793G>A, p.Arg2598Gln (NM_015384.5); short protein forms R2598Q.
Identifiers: ClinVar variation 2444684 (VCV002444684.5), dbSNP rs199508078, ClinGen allele CA3237271.

ClinVar aggregate classification (germline): Uncertain significance. Review status: criteria provided, multiple submitters, no conflicts (2 of 4 stars). 3 submissions from 3 submitters: Uncertain significance (2). 1 of the submissions does not count toward it. Last evaluated 2023-10-22.

Conditions:
Cornelia de Lange syndrome 1 (CDLS1). Also called: Brachmann de Lange syndrome; TYPUS DEGENERATIVUS AMSTELODAMENSIS; NIPBL-Related Cornelia de Lange Syndrome. Identifiers: Orphanet 199, MedGen C4551851, MONDO:0007387, OMIM 122470.
NIPBL-related disorder. Also called: NIPBL-related condition.

Allele frequency attached by ClinVar (database versions not stated): gnomAD exomes 0.00001; ExAC 0.00002; TOPMed 0.00002; gnomAD 0.00005; 1000 Genomes Project 0.00020; 1000 Genomes Project 30x 0.00031.
gnomAD v4.1: 12 of 1,614,066 alleles (0.00074%); highest among the groups gnomAD compares: East Asian, 0.0067%; no homozygotes.

Submissions (3):

Labcorp Genetics (formerly Invitae), Labcorp
Classification: Uncertain significance for Cornelia de Lange syndrome 1. Last evaluated: 2023-10-22. Review status: criteria provided, single submitter. Criteria: Invitae Variant Classification Sherloc (09022015). Collection method: clinical testing. Allele origin: germline.
Comment: This sequence change replaces arginine, which is basic and polar, with glutamine, which is neutral and polar, at codon 2598 of the NIPBL protein (p.Arg2598Gln). This variant is present in population databases (rs199508078, gnomAD 0.01%). This variant has not been reported in the literature in individuals affected with NIPBL-related conditions. ClinVar contains an entry for this variant (Variation ID: 2444684). Advanced modeling of protein sequence and biophysical properties (such as structural, functional, and spatial information, amino acid conservation, physicochemical variation, residue mobility, and thermodynamic stability) has been performed at Invitae for this missense variant, however the output from this modeling did not meet the statistical confidence thresholds required to predict the impact of this variant on NIPBL protein function. In summary, the available evidence is currently insufficient to determine the role of this variant in disease. Therefore, it has been classified as a Variant of Uncertain Significance.

GeneDx
Classification: Uncertain significance. Last evaluated: 2022-09-14. Review status: criteria provided, single submitter. Criteria: GeneDx Variant Classification Process June 2021. Collection method: clinical testing. Allele origin: germline. Affected: yes.
Comment: In silico analysis supports that this missense variant does not alter protein structure/function; Has not been previously published as pathogenic or benign to our knowledge

PreventionGenetics, part of Exact Sciences
Classification: Uncertain significance for NIPBL-related condition. Last evaluated: 2024-07-03. Review status: no assertion criteria provided. Collection method: clinical testing. Allele origin: germline. Not counted in ClinVar's aggregate classification.
Comment: The NIPBL c.7793G>A variant is predicted to result in the amino acid substitution p.Arg2598Gln. To our knowledge, this variant has not been reported in the literature. This variant is reported in 0.010% of alleles in individuals of East Asian descent in gnomAD. Although we suspect that this variant may be benign, at this time, the clinical significance of this variant is uncertain due to the absence of conclusive functional and genetic evidence.